The following is an entry in ClinVar:

ClinVar aggregate classification (germline): Uncertain significance (1 of 4 stars; one submission).

Submission:

Labcorp Genetics (formerly Invitae), Labcorp
Classification: Uncertain significance. Last evaluated: 2021-12-19. Review status: criteria provided, single submitter. Criteria: Invitae Variant Classification Sherloc (09022015). Collection method: clinical testing. Allele origin: germline.
Comment: This sequence change replaces serine, which is neutral and polar, with phenylalanine, which is neutral and non-polar, at codon 448 of the EMC1 protein (p.Ser448Phe). This variant is not present in population databases (gnomAD no frequency). This variant has not been reported in the literature in individuals affected with EMC1-related conditions. Algorithms developed to predict the effect of missense changes on protein structure and function are either unavailable or do not agree on the potential impact of this missense change (SIFT: "Tolerated"; PolyPhen-2: "Possibly Damaging"; Align-GVGD: "Class C0"). In summary, the available evidence is currently insufficient to determine the role of this variant in disease. Therefore, it has been classified as a Variant of Uncertain Significance.

NM_015047.3(EMC1):c.1343C>T (p.Ser448Phe)

Genes: EMC1 (ER membrane protein complex subunit 1; minus strand), EMC1-AS1 (EMC1 antisense RNA 1; plus strand). Cytogenetic location: 1p36.13.
Variant type: single nucleotide variant.
Coding change: c.1343C>T on transcript NM_015047.3 (MANE Select); coding-DNA position 1343, C replaced by T.
Protein change: p.Ser448Phe; replaces serine 448 with phenylalanine.
Molecular consequence: missense variant.
Genome position (GRCh38, 1-based): chr1:19,235,219, G>A on the plus strand (C>T on the coding strand, the complement: EMC1 is on the minus strand). VCF-style: chr1-19235219-G-A. GRCh37 (hg19) VCF-style: chr1-19561713-G-A.
Other names: c.1340C>T, p.Ser447Phe (NM_001271427.2, NM_001271428.2, NM_001375821.1); c.1277C>T, p.Ser426Phe (NM_001271429.2); c.1343C>T, p.Ser448Phe (NM_001375820.1); short protein forms S447F, S426F, S448F.
Identifiers: ClinVar variation 2049352 (VCV002049352.4), dbSNP rs2151952203, ClinGen allele CA338764250.